The following is an entry in ClinVar:

ClinVar aggregate classification (germline): Uncertain significance. Review status: criteria provided, multiple submitters, no conflicts (2 of 4 stars). 2 submissions from 2 submitters: Uncertain significance (2). Last evaluated 2023-09-23.

Conditions:
Inborn genetic diseases. Identifiers: MedGen C0950123, MeSH D030342.

Allele frequency attached by ClinVar (database versions not stated): gnomAD exomes 0.00003 and 0.00007; gnomAD 0.00004; TOPMed 0.00004; ExAC 0.00006; 1000 Genomes Project 30x 0.00016; 1000 Genomes Project 0.00020.
gnomAD v4.1: 57 of 1,611,946 alleles (0.0035%); highest among the groups gnomAD compares: South Asian, 0.046%; no homozygotes.

Submissions (2):

Ambry Genetics
Classification: Uncertain significance for Inborn genetic diseases. Last evaluated: 2023-09-23. Review status: criteria provided, single submitter. Criteria: Ambry Variant Classification Scheme 2023. Collection method: clinical testing. Allele origin: germline.

Labcorp Genetics (formerly Invitae), Labcorp
Classification: Uncertain significance. Last evaluated: 2021-12-15. Review status: criteria provided, single submitter. Criteria: Invitae Variant Classification Sherloc (09022015). Collection method: clinical testing. Allele origin: germline.
Comment: This sequence change replaces leucine, which is neutral and non-polar, with valine, which is neutral and non-polar, at codon 250 of the MTPAP protein (p.Leu250Val). This variant is present in population databases (rs537971320, gnomAD 0.05%). This variant has not been reported in the literature in individuals affected with MTPAP-related conditions. Algorithms developed to predict the effect of missense changes on protein structure and function are either unavailable or do not agree on the potential impact of this missense change (SIFT: "Deleterious"; PolyPhen-2: "Probably Damaging"; Align-GVGD: "Class C0"). In summary, the available evidence is currently insufficient to determine the role of this variant in disease. Therefore, it has been classified as a Variant of Uncertain Significance.

NM_018109.4(MTPAP):c.748C>G (p.Leu250Val)

Gene: MTPAP (mitochondrial poly(A) polymerase; minus strand). Cytogenetic location: 10p11.23.
Variant type: single nucleotide variant.
Coding change: c.748C>G on transcript NM_018109.4 (MANE Select); coding-DNA position 748, C replaced by G.
Protein change: p.Leu250Val; replaces leucine 250 with valine.
Molecular consequence: missense variant.
Genome position (GRCh38, 1-based): chr10:30,336,835, G>C on the plus strand (C>G on the coding strand, the complement: MTPAP is on the minus strand). VCF-style: chr10-30336835-G-C. GRCh37 (hg19) VCF-style: chr10-30625764-G-C.
Other names: c.748C>G (NM_018109.3); short protein forms L250V.
Identifiers: ClinVar variation 1441105 (VCV001441105.4), dbSNP rs537971320, ClinGen allele CA5459126.